The following is an entry in ClinVar:

ClinVar aggregate classification (germline): Pathogenic (1 of 4 stars; one submission).

Conditions:
Supravalvar aortic stenosis (SVAS). Also called: Supravalvar aortic stenosis, Eisenberg type. Identifiers: Orphanet 3193, MedGen C0003499, MONDO:0008504, OMIM 185500, HP:0004381.

Submission:

Labcorp Genetics (formerly Invitae), Labcorp
Classification: Pathogenic for Supravalvar aortic stenosis. Last evaluated: 2024-07-30. Review status: criteria provided, single submitter. Criteria: Invitae Variant Classification Sherloc (09022015). Collection method: clinical testing. Allele origin: germline.
Comment: This sequence change creates a premature translational stop signal (p.Gly278*) in the ELN gene. It is expected to result in an absent or disrupted protein product. Loss-of-function variants in ELN are known to be pathogenic (PMID: 11175284). This variant is not present in population databases (gnomAD no frequency). This variant has not been reported in the literature in individuals affected with ELN-related conditions. For these reasons, this variant has been classified as Pathogenic.

Literature cited by the submitters: PubMed 11175284.

NM_000501.4(ELN):c.832G>T (p.Gly278Ter)

Gene: ELN (elastin; plus strand). Cytogenetic location: 7q11.23.
Variant type: single nucleotide variant.
Coding change: c.832G>T on transcript NM_000501.4 (MANE Select); coding-DNA position 832, G replaced by T.
Protein change: p.Gly278Ter; replaces glycine 278 with a stop codon.
Molecular consequence: nonsense.
Genome position (GRCh38, 1-based): chr7:74,051,782, G>T. VCF-style: chr7-74051782-G-T. GRCh37 (hg19) VCF-style: chr7-73466112-G-T.
Other names: c.802G>T, p.Gly268Ter (NM_001081752.3, NM_001278917.2); c.847G>T, p.Gly283Ter (NM_001081753.3, NM_001081754.3); c.832G>T, p.Gly278Ter (NM_001081755.3, NM_001278912.2, NM_001278915.2 and 1 more transcripts); c.724G>T, p.Gly242Ter (NM_001278913.2); c.817G>T, p.Gly273Ter (NM_001278914.2); c.790G>T, p.Gly264Ter (NM_001278916.2); c.700G>T, p.Gly234Ter (NM_001278918.2); short protein forms G242*, G264*, G283*, G234*, G273*, G278*, G268*.
Identifiers: ClinVar variation 3660853 (VCV003660853.2).